The following is an entry in ClinVar:

ClinVar aggregate classification (germline): Uncertain significance. Review status: criteria provided, multiple submitters, no conflicts (2 of 4 stars). 2 submissions from 2 submitters: Uncertain significance (2). Last evaluated 2023-04-17.

Conditions:
LEO1-related neurodevelopmental disorder.

Submissions (2):

GeneDx
Classification: Uncertain significance. Last evaluated: 2023-04-17. Review status: criteria provided, single submitter. Criteria: GeneDx Variant Classification Process June 2021. Collection method: clinical testing. Allele origin: germline. Affected: yes.
Comment: Not observed at significant frequency in large population cohorts (gnomAD); In silico analysis supports that this missense variant has a deleterious effect on protein structure/function; Has not been previously published as pathogenic or benign to our knowledge; Variants in candidate genes are classified as variants of uncertain significance in accordance with ACMG guidelines (Richards et al., 2015)

Undiagnosed Diseases Network, NIH
Classification: Uncertain significance for LEO1-related neurodevelopmental disorder. Last evaluated: 2023-04-17. Review status: criteria provided, single submitter. Criteria: ACMG Guidelines, 2015. Collection method: clinical testing. Allele origin: de novo. Affected: yes. Observed: 1 variant allele, 1 heterozygote. Study: Undiagnosed Diseases Network (NIH), UDN.

Literature cited by the submitters: PubMed 38965372 (cited by Undiagnosed Diseases Network, NIH).

NM_138792.4(LEO1):c.1519T>C (p.Ser507Pro)

Gene: LEO1 (LEO1 component of Paf1/RNA polymerase II complex; minus strand). Cytogenetic location: 15q21.2.
Variant type: single nucleotide variant.
Coding change: c.1519T>C on transcript NM_138792.4 (MANE Select); coding-DNA position 1519, T replaced by C.
Protein change: p.Ser507Pro; replaces serine 507 with proline.
Molecular consequence: missense variant.
Genome position (GRCh38, 1-based): chr15:51,951,936, A>G on the plus strand (T>C on the coding strand, the complement: LEO1 is on the minus strand). VCF-style: chr15-51951936-A-G. GRCh37 (hg19) VCF-style: chr15-52244133-A-G.
Other names: c.1339T>C, p.Ser447Pro (NM_001286430.2); c.1519T>C, p.Ser507Pro (NM_001323903.2, NM_001323904.2, NM_001426597.1 and 1 more transcripts); short protein forms S447P, S507P.
Identifiers: ClinVar variation 3343089 (VCV003343089.2).
Genomic context (GRCh38, chr15:51,951,936, plus strand): 5'-CACGACCAGCCATTGGCAAGATTCTAATCTTCTGTGTCTTTGAACACCTATCTGCAAGTG[A>G]CAGAGTCATCTTTCTATGTGTGGCACTGTCCGTAGAGTGAGGTCTGCCAGGAAATAAACG-3'
Protein context (NP_620147.1, residues 497-517): DSATHRKMTL[Ser507Pro]LADRCSKTQK